The following is an entry in ClinVar:

NM_000080.4(CHRNE):c.1399A>G (p.Ser467Gly)

Gene: CHRNE (cholinergic receptor nicotinic epsilon subunit; minus strand). Cytogenetic location: 17p13.2.
Variant type: single nucleotide variant.
Coding change: c.1399A>G on transcript NM_000080.4 (MANE Select); coding-DNA position 1399, A replaced by G.
Protein change: p.Ser467Gly; replaces serine 467 with glycine.
Molecular consequence: missense variant.
Genome position (GRCh38, 1-based): chr17:4,898,819, T>C on the plus strand (A>G on the coding strand, the complement: CHRNE is on the minus strand). VCF-style: chr17-4898819-T-C. GRCh37 (hg19) VCF-style: chr17-4802114-T-C.
Other names: short protein forms S467G.
Identifiers: ClinVar variation 1690679 (VCV001690679.2), dbSNP rs778042648, ClinGen allele CA8313833.

ClinVar aggregate classification (germline): Uncertain significance (1 of 4 stars; one submission).

Allele frequency attached by ClinVar (database versions not stated): TOPMed below 0.00001; gnomAD 0.00001; ExAC 0.00002; gnomAD exomes 0.00002.
gnomAD v4.1: 3 of 1,603,154 alleles (0.00019%); highest among the groups gnomAD compares: African/African-American, 0.0027%; no homozygotes.

Submission:

Laboratorio de Genetica e Diagnostico Molecular, Hospital Israelita Albert Einstein
Classification: Uncertain significance. Last evaluated: 2019-09-17. Review status: criteria provided, single submitter. Criteria: ACMG Guidelines, 2015. Collection method: clinical testing. Allele origin: germline. Affected: yes.
Comment: ACMG classification criteria: PM2, BP4